The following is an entry in ClinVar:

ClinVar aggregate classification (germline): Uncertain significance (1 of 4 stars; one submission).

Submission:

GeneDx
Classification: Uncertain significance. Last evaluated: 2026-08-11. Review status: criteria provided, single submitter. Criteria: GeneDx Variant Classification Process June 2021. Collection method: clinical testing. Allele origin: germline.
Comment: Not observed at significant frequency in large population cohorts (gnomAD); In silico analysis supports that this missense variant has a deleterious effect on protein structure/function; Has not been previously published as pathogenic or benign to our knowledge

NM_014712.3(SETD1A):c.3197A>G (p.Glu1066Gly)

Gene: SETD1A (SET domain containing 1A, histone lysine methyltransferase; plus strand). Cytogenetic location: 16p11.2.
Variant type: single nucleotide variant.
Coding change: c.3197A>G on transcript NM_014712.3 (MANE Select); coding-DNA position 3197, A replaced by G.
Protein change: p.Glu1066Gly; replaces glutamic acid 1066 with glycine.
Molecular consequence: missense variant.
Genome position (GRCh38, 1-based): chr16:30,971,558, A>G. VCF-style: chr16-30971558-A-G. GRCh37 (hg19) VCF-style: chr16-30982879-A-G.
Other names: short protein forms E1066G.
Identifiers: ClinVar variation 3377982 (VCV003377982.3).